The following is an entry in ClinVar:

NM_001972.4(ELANE):c.560G>T (p.Cys187Phe)

Gene: ELANE (elastase, neutrophil expressed; plus strand). Cytogenetic location: 19p13.3.
Variant type: single nucleotide variant.
Coding change: c.560G>T on transcript NM_001972.4 (MANE Select); coding-DNA position 560, G replaced by T.
Protein change: p.Cys187Phe; replaces cysteine 187 with phenylalanine.
Molecular consequence: missense variant.
Genome position (GRCh38, 1-based): chr19:855,757, G>T. VCF-style: chr19-855757-G-T. GRCh37 (hg19) VCF-style: chr19-855757-G-T.
Other names: short protein forms C187F.
Identifiers: ClinVar variation 4842451 (VCV004842451.1).

ClinVar aggregate classification (germline): Uncertain significance (1 of 4 stars; one submission).

Conditions:
Inborn genetic diseases. Identifiers: MedGen C0950123, MeSH D030342.

Submission:

Ambry Genetics
Classification: Uncertain significance for Inborn genetic diseases. Last evaluated: 2025-12-20. Review status: criteria provided, single submitter. Criteria: Ambry Variant Classification Scheme 2023. Collection method: clinical testing. Allele origin: germline.
Comment: The p.C187F variant (also known as c.560G>T), located in coding exon 4 of the ELANE gene, results from a G to T substitution at nucleotide position 560. The cysteine at codon 187 is replaced by phenylalanine, an amino acid with highly dissimilar properties. This amino acid position is conserved. In addition, this alteration is predicted to be deleterious by in silico analysis. Based on the available evidence, the clinical significance of this variant remains unclear.